The following is an entry in ClinVar:

ClinVar aggregate classification (germline): Uncertain significance. Review status: criteria provided, multiple submitters, no conflicts (2 of 4 stars). 3 submissions from 3 submitters: Uncertain significance (3). Last evaluated 2023-12-20.

Conditions:
Hereditary spastic paraplegia 28. Also called: Spastic paraplegia 28, autosomal recessive. Identifiers: Orphanet 101008, MedGen C1836295, MONDO:0012256, OMIM 609340.

Submissions (3):

Mayo Clinic Laboratories, Mayo Clinic
Classification: Uncertain significance. Last evaluated: 2023-12-20. Review status: criteria provided, single submitter. Criteria: ACMG Guidelines, 2015. Collection method: clinical testing. Allele origin: germline. Observed: 1 variant allele.
Comment: PM2_moderate

Labcorp Genetics (formerly Invitae), Labcorp
Classification: Uncertain significance for Hereditary spastic paraplegia 28. Last evaluated: 2022-03-30. Review status: criteria provided, single submitter. Criteria: Invitae Variant Classification Sherloc (09022015). Collection method: clinical testing. Allele origin: germline.
Comment: This variant, c.65_67dup, results in the insertion of 1 amino acid(s) of the DDHD1 protein (p.Gly22dup), but otherwise preserves the integrity of the reading frame. This variant is present in population databases (rs755325105, gnomAD 0.03%). This variant has not been reported in the literature in individuals affected with DDHD1-related conditions. Experimental studies and prediction algorithms are not available or were not evaluated, and the functional significance of this variant is currently unknown. In summary, the available evidence is currently insufficient to determine the role of this variant in disease. Therefore, it has been classified as a Variant of Uncertain Significance.

Foundation for Research in Genetics and Endocrinology, FRIGE's Institute of Human Genetics
Classification: Uncertain significance for Hereditary spastic paraplegia 28. Last evaluated: 2021-09-07. Review status: criteria provided, single submitter. Criteria: ACMG Guidelines, 2015. Collection method: clinical testing. Allele origin: germline. Inheritance: Autosomal recessive inheritance. Affected: yes. Observed: 1 heterozygote.
Comment: A heterozygous three base pair duplication in exon 1 of the DDHD1 gene that results in the in frame duplication of glycine amino acid was detected. The observed variant c.65_67dup (p.Gly22dup) has not been reported in the 1000 genomes and has a minor allele frequency of 0.01% in the gnomAD database. The in silico prediction of the variant is probably benign by PolyPhen-2 (HumDiv), LRT, SIFT and MutationTaster2. The reference codon is conserved across species. In summary, the variant meets our criteria to be classified as a variant of uncertain significance.

NM_001160148.2(DDHD1):c.53GCG[6] (p.Gly22dup)

Gene: DDHD1 (DDHD domain containing 1; minus strand). Cytogenetic location: 14q22.1.
Variant type: Microsatellite.
Coding change: c.53GCG[6] on transcript NM_001160148.2 (MANE Select); six copies in a row of the 3-base unit GCG starting at c.53; the reference has five copies in a row; one copy, 3 bases duplicated; also written c.65_67dup.
Protein change: p.Gly22dup; duplicates glycine 22.
Molecular consequence: inframe insertion.
Genome position (GRCh38, 1-based): chr14:53,153,032-53,153,034, CGC duplicated on the plus strand (GCG on the coding strand, the reverse complement: DDHD1 is on the minus strand); duplicating any 3 consecutive bases within chr14:53,153,032-53,153,047 gives the same sequence; the position shown is the placement nearest the transcript's 3' end. VCF-style (leftmost placement, unchanged base first): chr14-53153031-G-GCGC. GRCh37 (hg19) VCF-style: chr14-53619749-G-GCGC.
Other names: p.Gly22dup; c.65_67dup (NM_001160147.2, NM_001160148.2); c.53GCG[6], p.Gly22dup (NM_001160147.2, NM_030637.3).
Identifiers: ClinVar variation 1342298 (VCV001342298.7), dbSNP rs752119831, ClinGen allele CA7191596.